The following is an entry in ClinVar:

NM_007294.4(BRCA1):c.4186-3A>G

Gene: BRCA1 (BRCA1 DNA repair associated; minus strand). Cytogenetic location: 17q21.31.
Variant type: single nucleotide variant.
Coding change: c.4186-3A>G on transcript NM_007294.4 (MANE Select); 3 bases into the intron before coding-DNA position 4186, A replaced by G.
Molecular consequence: intron variant.
Genome position (GRCh38, 1-based): chr17:43,082,578, T>C on the plus strand (A>G on the coding strand, the complement: BRCA1 is on the minus strand). VCF-style: chr17-43082578-T-C. GRCh37 (hg19) VCF-style: chr17-41234595-T-C.
Other names: IVS12-3A>G; c.4186-3A>G (NM_001407605.1, NM_001407619.1, NM_001407684.1 and 24 more transcripts); c.3976-3A>G (NM_001407902.1, NM_001407882.1, NM_001407885.1 and 9 more transcripts); c.799-3A>G (NM_001408414.1, NM_001408411.1, NM_001408415.1 and 2 more transcripts); c.4108-3A>G (NM_001407655.1, NM_001407657.1, NM_001407654.1 and 2 more transcripts); c.3850-6A>G (NM_001407956.1); c.3973-3A>G (NM_001407897.1, NM_001407898.1, NM_001407918.1 and 8 more transcripts); c.3853-3A>G (NM_001407947.1, NM_001407949.1, NM_001407951.1 and 3 more transcripts); and 65 more.
Identifiers: ClinVar variation 91626 (VCV000091626.4), dbSNP rs398122683, ClinGen allele CA002697.
Genomic context (GRCh38, chr17:43,082,578, plus strand): 5'-CTAGTTCAGCCATTTCCTGCTGGAGCTTTATCAGGTTATGTTGCATGGTATCCCTCTGCT[T>C]CAAAAACGATAAATGGCACCAAGAAAATGAAATACTTTGAGAAGCTTTCCATTAAATGAA-3'

ClinVar aggregate classification (germline): Uncertain significance. Review status: criteria provided, single submitter (1 of 4 stars). 2 submissions from 2 submitters: Uncertain significance (1). 1 of the submissions does not count toward it. Last evaluated 2024-04-17.

Conditions:
Hereditary cancer-predisposing syndrome. Also called: Hereditary Cancer Syndrome; Hereditary neoplastic syndrome; Neoplastic Syndromes, Hereditary; Tumor predisposition. Identifiers: Orphanet 140162, MedGen C0027672, MeSH D009386, MONDO:0015356.
Breast-ovarian cancer, familial, susceptibility to, 1 (BROVCA1). Also called: BRCA1 Hereditary Breast and Ovarian Cancer; OVARIAN CANCER, SUSCEPTIBILITY TO. Identifiers: Orphanet 145, MedGen C2676676, MONDO:0011450, OMIM 604370. Disease mechanism: loss of function.

Submissions (2):

Ambry Genetics
Classification: Uncertain significance for Hereditary cancer-predisposing syndrome. Last evaluated: 2024-04-17. Review status: criteria provided, single submitter. Criteria: Ambry Variant Classification Scheme 2023. Collection method: clinical testing. Allele origin: germline.
Comment: The c.4186-3A>G intronic variant results from an A to G substitution 3 nucleotides upstream from coding exon 11 in the BRCA1 gene. This nucleotide position is not well conserved in available vertebrate species. In silico splice site analysis predicts that this alteration may weaken the native splice acceptor site. RNA studies have demonstrated that this alteration results in a transcript predicted to lead to a protein with an in-frame deletion of one amino acid; however, the exact functional impact of the deleted amino acid is unknown at this time (Ambry internal data). Based on the available evidence, the clinical significance of this variant remains unclear.

Sharing Clinical Reports Project (SCRP)
Classification: Uncertain significance for Breast-ovarian cancer, familial 1. Last evaluated: 2010-05-25. Review status: no assertion criteria provided. Collection method: clinical testing. Allele origin: germline. Not counted in ClinVar's aggregate classification.